The following is an entry in ClinVar:

ClinVar aggregate classification (germline): Uncertain significance (1 of 4 stars; one submission).

Conditions:
Hereditary spastic paraplegia 8 (SPG8). Also called: SPASTIC PARAPLEGIA 8, AUTOSOMAL DOMINANT. Identifiers: Orphanet 100989, MedGen C1863704, MONDO:0011339, OMIM 603563.
Ritscher-Schinzel syndrome. Also called: CRANIOCEREBELLOCARDIAC DYSPLASIA. Identifiers: Orphanet 7, MedGen C0796137, MONDO:0019078.

Submission:

Labcorp Genetics (formerly Invitae), Labcorp
Classification: Uncertain significance for Ritscher-Schinzel syndrome; Hereditary spastic paraplegia 8. Last evaluated: 2022-06-04. Review status: criteria provided, single submitter. Criteria: Invitae Variant Classification Sherloc (09022015). Collection method: clinical testing. Allele origin: germline.
Comment: Algorithms developed to predict the effect of missense changes on protein structure and function are either unavailable or do not agree on the potential impact of this missense change (SIFT: "Deleterious"; PolyPhen-2: "Possibly Damaging"; Align-GVGD: "Class C0"). In summary, the available evidence is currently insufficient to determine the role of this variant in disease. Therefore, it has been classified as a Variant of Uncertain Significance. ClinVar contains an entry for this variant (Variation ID: 948464). This sequence change replaces glutamine, which is neutral and polar, with glutamic acid, which is acidic and polar, at codon 569 of the WASHC5 protein (p.Gln569Glu). This variant is not present in population databases (gnomAD no frequency). This missense change has been observed in individual(s) with clinical features of WASHC5-related conditions (Invitae).

NM_014846.4(WASHC5):c.1705C>G (p.Gln569Glu)

Gene: WASHC5 (WASH complex subunit 5; minus strand). Cytogenetic location: 8q24.13.
Variant type: single nucleotide variant.
Coding change: c.1705C>G on transcript NM_014846.4 (MANE Select); coding-DNA position 1705, C replaced by G.
Protein change: p.Gln569Glu; replaces glutamine 569 with glutamic acid.
Molecular consequence: missense variant.
Genome position (GRCh38, 1-based): chr8:125,059,281, G>C on the plus strand (C>G on the coding strand, the complement: WASHC5 is on the minus strand). VCF-style: chr8-125059281-G-C. GRCh37 (hg19) VCF-style: chr8-126071523-G-C.
Other names: c.1261C>G, p.Gln421Glu (NM_001330609.2); short protein forms Q569E, Q421E.
Identifiers: ClinVar variation 948464 (VCV000948464.9), dbSNP rs1816510758, ClinGen allele CA372191935.